The following is an entry in ClinVar:

NM_005428.4(VAV1):c.817T>C (p.Tyr273His)

Gene: VAV1 (vav guanine nucleotide exchange factor 1; plus strand). Cytogenetic location: 19p13.3.
Variant type: single nucleotide variant.
Coding change: c.817T>C on transcript NM_005428.4 (MANE Select); coding-DNA position 817, T replaced by C.
Protein change: p.Tyr273His; replaces tyrosine 273 with histidine.
Molecular consequence: missense variant.
Genome position (GRCh38, 1-based): chr19:6,825,396, T>C. VCF-style: chr19-6825396-T-C. GRCh37 (hg19) VCF-style: chr19-6825407-T-C.
Other names: c.817T>C, p.Tyr273His (NM_001258206.2); c.721T>C, p.Tyr241His (NM_001258207.2); short protein forms Y241H, Y273H.
Identifiers: ClinVar variation 4699691 (VCV004699691.1).

ClinVar aggregate classification (germline): Uncertain significance (1 of 4 stars; one submission).

Submission:

Labcorp Genetics (formerly Invitae), Labcorp
Classification: Uncertain significance. Last evaluated: 2025-06-04. Review status: criteria provided, single submitter. Criteria: Invitae Variant Classification Sherloc (09022015). Collection method: clinical testing. Allele origin: germline.
Comment: This sequence change replaces tyrosine, which is neutral and polar, with histidine, which is basic and polar, at codon 273 of the VAV1 protein (p.Tyr273His). This variant is not present in population databases (gnomAD no frequency). This variant has not been reported in the literature in individuals affected with VAV1-related conditions. An algorithm developed to predict the effect of missense changes on protein structure and function (PolyPhen-2) suggests that this variant is likely to be disruptive. In summary, the available evidence is currently insufficient to determine the role of this variant in disease. Therefore, it has been classified as a Variant of Uncertain Significance.